The following is an entry in ClinVar:

NM_000135.4(FANCA):c.190-1G>A

Gene: FANCA (FA complementation group A; minus strand). Cytogenetic location: 16q24.3.
Variant type: single nucleotide variant.
Coding change: c.190-1G>A on transcript NM_000135.4 (MANE Select); the canonical splice acceptor site of the intron before coding-DNA position 190, G replaced by A.
Molecular consequence: splice acceptor variant.
Genome position (GRCh38, 1-based): chr16:89,814,614, C>T on the plus strand (G>A on the coding strand, the complement: FANCA is on the minus strand). VCF-style: chr16-89814614-C-T. GRCh37 (hg19) VCF-style: chr16-89881022-C-T.
Other names: c.190-1G>A (NM_001286167.3, NM_001351830.2, NM_001018112.3).
Identifiers: ClinVar variation 4817517 (VCV004817517.2).

ClinVar aggregate classification (germline): Pathogenic/Likely pathogenic. Review status: criteria provided, multiple submitters, no conflicts (2 of 4 stars). 2 submissions from 2 submitters: Pathogenic (1); Likely pathogenic (1). Last evaluated 2025-12-10.

Conditions:
Fanconi anemia complementation group A (FANCA). Also called: Fanconi anemia, group A; FANCA-Related Fanconi Anemia. Identifiers: Orphanet 84, MedGen C3469521, MONDO:0009215, OMIM 227650.
Fanconi anemia (FA). Also called: Fanconi's anemia. Identifiers: Orphanet 84, MedGen C0015625, MeSH D005199, MONDO:0019391.

Submissions (2):

3billion
Classification: Likely pathogenic for Fanconi anemia complementation group A. Last evaluated: 2025-12-10. Review status: criteria provided, single submitter. Criteria: ACMG Guidelines, 2015. Collection method: clinical testing. Allele origin: germline. Affected: yes.
Comment: The variant is observed at an extremely low frequency in the gnomAD v4.1.0 dataset (total allele frequency: <0.001%). Predicted Consequence/Location: Canonical splice site: predicted to alter splicing and result in a loss or disruption of normal protein function. Multiple pathogenic loss-of-function variants are reported downstream of the variant. In silico tools predict the variant to alter splicing and produce an abnormal transcript [SpliceAI: 0.83 (spliceogenicity >=0.2, non-spliceogenicity <0.1)]. The variant has been reported at least twice as pathogenic with clinical assertions and evidence for the classification (ClinVar ID: VCV000663982 /PMID: 21659346). Therefore, this variant is classified as Pathogenic according to the recommendation of ACMG/AMP guideline.

Natera, Inc.
Classification: Pathogenic for Fanconi anemia. Last evaluated: 2024-06-24. Review status: criteria provided, single submitter. Criteria: Natera Variant Classification Schema (03/2026). Collection method: clinical testing. Allele origin: germline.
Comment: The c.190-1G>A variant in FANCA is a canonical splice acceptor site variant predicted to affect pre-mRNA splicing, which may result in an abnormal transcript and altered protein product. This variant is expected to result in nonsense mediated decay, truncation, or a dysfunctional protein product. This variant is rare in the general population with a frequency below the threshold expected for the associated phenotype(s). Another variant at this same site results in an alteration predicted to cause a similar molecular effect has been observed in individual(s) with the associated phenotype. Given the available evidence, this variant is classified as Pathogenic.